The following is an entry in ClinVar:

NM_024408.4(NOTCH2):c.3470C>T (p.Pro1157Leu)

Gene: NOTCH2 (notch receptor 2; minus strand). Cytogenetic location: 1p12.
Variant type: single nucleotide variant.
Coding change: c.3470C>T on transcript NM_024408.4 (MANE Select); coding-DNA position 3470, C replaced by T.
Protein change: p.Pro1157Leu; replaces proline 1157 with leucine.
Molecular consequence: missense variant.
Genome position (GRCh38, 1-based): chr1:119,937,334, G>A on the plus strand (C>T on the coding strand, the complement: NOTCH2 is on the minus strand). VCF-style: chr1-119937334-G-A. GRCh37 (hg19) VCF-style: chr1-120479957-G-A.
Other names: c.3470C>T, p.Pro1157Leu (NM_001200001.2); short protein forms P1157L.
Identifiers: ClinVar variation 3659300 (VCV003659300.2).

ClinVar aggregate classification (germline): Uncertain significance (1 of 4 stars; one submission).

Conditions:
Hajdu-Cheney syndrome (HJCYS). Also called: Acroosteolysis dominant type; ACROOSTEOLYSIS WITH OSTEOPOROSIS AND CHANGES IN SKULL AND MANDIBLE; SERPENTINE FIBULA-POLYCYSTIC KIDNEY SYNDROME. Identifiers: Orphanet 955, MedGen C0917715, MONDO:0007057, OMIM 102500.

gnomAD v4.1: 1 of 1,614,068 alleles (0.000062%); highest among the groups gnomAD compares: South Asian, 0.0011%; no homozygotes.

Submission:

Labcorp Genetics (formerly Invitae), Labcorp
Classification: Uncertain significance for Hajdu-Cheney syndrome. Last evaluated: 2024-07-11. Review status: criteria provided, single submitter. Criteria: Invitae Variant Classification Sherloc (09022015). Collection method: clinical testing. Allele origin: germline.
Comment: This sequence change replaces proline, which is neutral and non-polar, with leucine, which is neutral and non-polar, at codon 1157 of the NOTCH2 protein (p.Pro1157Leu). This variant is not present in population databases (gnomAD no frequency). This variant has not been reported in the literature in individuals affected with NOTCH2-related conditions. Advanced modeling of protein sequence and biophysical properties (such as structural, functional, and spatial information, amino acid conservation, physicochemical variation, residue mobility, and thermodynamic stability) performed at Invitae indicates that this missense variant is not expected to disrupt NOTCH2 protein function with a negative predictive value of 80%. In summary, the available evidence is currently insufficient to determine the role of this variant in disease. Therefore, it has been classified as a Variant of Uncertain Significance.